The following is an entry in ClinVar:

NM_001283009.2(RTEL1):c.1595G>A (p.Arg532Gln)

Genes: RTEL1 (regulator of telomere elongation helicase 1; plus strand), RTEL1-TNFRSF6B (RTEL1-TNFRSF6B readthrough (NMD candidate); plus strand). Cytogenetic location: 20q13.33.
Variant type: single nucleotide variant.
Coding change: c.1595G>A on transcript NM_001283009.2 (MANE Select); coding-DNA position 1595, G replaced by A.
Protein change: p.Arg532Gln; replaces arginine 532 with glutamine.
Molecular consequence: missense variant. On other transcripts: non-coding transcript variant (1).
Genome position (GRCh38, 1-based): chr20:63,688,050, G>A. VCF-style: chr20-63688050-G-A. GRCh37 (hg19) VCF-style: chr20-62319403-G-A.
Other names: c.926G>A, p.Arg309Gln (NM_001283010.1); c.1595G>A, p.Arg532Gln (NM_016434.4); c.1667G>A, p.Arg556Gln (NM_032957.5); short protein forms R309Q, R532Q, R556Q.
Identifiers: ClinVar variation 3342928 (VCV003342928.1).

ClinVar aggregate classification (germline): Uncertain significance (1 of 4 stars; one submission).

gnomAD v4.1: 15 of 1,612,376 alleles (0.00093%); highest among the groups gnomAD compares: Non-Finnish European, 0.000085%; no homozygotes.

Submission:

GeneDx
Classification: Uncertain significance. Last evaluated: 2023-04-17. Review status: criteria provided, single submitter. Criteria: GeneDx Variant Classification Process June 2021. Collection method: clinical testing. Allele origin: germline. Affected: yes.
Comment: In silico analysis supports that this missense variant has a deleterious effect on protein structure/function; Has not been previously published as pathogenic or benign to our knowledge